The following is an entry in ClinVar:

NM_005732.4(RAD50):c.625G>C (p.Glu209Gln)

Gene: RAD50 (RAD50 double strand break repair protein; plus strand). Cytogenetic location: 5q31.1.
Variant type: single nucleotide variant.
Coding change: c.625G>C on transcript NM_005732.4 (MANE Select); coding-DNA position 625, G replaced by C.
Protein change: p.Glu209Gln; replaces glutamic acid 209 with glutamine.
Molecular consequence: missense variant.
Genome position (GRCh38, 1-based): chr5:132,579,935, G>C. VCF-style: chr5-132579935-G-C. GRCh37 (hg19) VCF-style: chr5-131915627-G-C.
Other names: p.E209Q:GAA>CAA; short protein forms E209Q.
Identifiers: ClinVar variation 128025 (VCV000128025.19), dbSNP rs587780158, ClinGen allele CA288215.
Genomic context (GRCh38, chr5:132,579,935, plus strand): 5'-TTAGAAACACTTCGGCAGGTACGTCAGACACAAGGTCAGAAAGTAAAAGAATATCAAATG[G>C]AACTAAAATATCTGAAGCAATATAAGGAAAAAGCTTGTGAGATTCGTGATCAGATTACAA-3'
Protein context (NP_005723.2, residues 199-219): QGQKVKEYQM[Glu209Gln]LKYLKQYKEK

ClinVar aggregate classification (germline): Uncertain significance. Review status: criteria provided, multiple submitters, no conflicts (2 of 4 stars). 6 submissions from 6 submitters: Uncertain significance (6). Last evaluated 2025-07-30.

Conditions:
Hereditary cancer-predisposing syndrome. Also called: Hereditary neoplastic syndrome; Neoplastic Syndromes, Hereditary; Hereditary Cancer Syndrome; Tumor predisposition. Identifiers: Orphanet 140162, MedGen C0027672, MeSH D009386, MONDO:0015356.
Nijmegen breakage syndrome-like disorder (NBSLD). Also called: MICROCEPHALY AND SPONTANEOUS CHROMOSOME INSTABILITY WITHOUT IMMUNODEFICIENCY; NBS-LIKE DISORDER; RAD50 DEFICIENCY. Identifiers: Orphanet 240760, MedGen C2751318, MONDO:0013118, OMIM 613078.

Allele frequency attached by ClinVar (database versions not stated): gnomAD exomes 0.00001; TOPMed 0.00002; gnomAD 0.00003 and 0.00004.
gnomAD v4.1: 26 of 1,611,970 alleles (0.0016%); highest among the groups gnomAD compares: Non-Finnish European, 0.0021%; no homozygotes.

Submissions (6):

Labcorp Genetics (formerly Invitae), Labcorp
Classification: Uncertain significance for Hereditary cancer-predisposing syndrome. Last evaluated: 2025-07-30. Review status: criteria provided, single submitter. Criteria: Invitae Variant Classification Sherloc (09022015). Collection method: clinical testing. Allele origin: germline.
Comment: This sequence change replaces glutamic acid, which is acidic and polar, with glutamine, which is neutral and polar, at codon 209 of the RAD50 protein (p.Glu209Gln). This variant is present in population databases (rs587780158, gnomAD 0.002%). This variant has not been reported in the literature in individuals affected with RAD50-related conditions. ClinVar contains an entry for this variant (Variation ID: 128025). Invitae Evidence Modeling of protein sequence and biophysical properties (such as structural, functional, and spatial information, amino acid conservation, physicochemical variation, residue mobility, and thermodynamic stability) has been performed for this missense variant. However, the output from this modeling did not meet the statistical confidence thresholds required to predict the impact of this variant on RAD50 protein function. In summary, the available evidence is currently insufficient to determine the role of this variant in disease. Therefore, it has been classified as a Variant of Uncertain Significance.

Quest Diagnostics Nichols Institute San Juan Capistrano
Classification: Uncertain significance. Last evaluated: 2024-10-09. Review status: criteria provided, single submitter. Criteria: Quest Diagnostics criteria. Collection method: clinical testing. Allele origin: unknown.
Comment: The RAD50 c.625G>C (p.Glu209Gln) variant has been reported in several individuals with breast cancer as well as in several reportedly healthy individuals in a case-control study (PMID: 33471991 (2021), see also LOVD). The frequency of this variant in the general population, 0.000023 (3/128782 chromosomes (Genome Aggregation Database)), is uninformative in the assessment of its pathogenicity. Analysis of this variant using bioinformatics tools for the prediction of the effect of amino acid changes on protein structure and function yielded conflicting predictions that this variant is benign or damaging. Based on the available information, we are unable to determine the clinical significance of this variant.

Baylor Genetics
Classification: Uncertain significance for Nijmegen breakage syndrome-like disorder. Last evaluated: 2023-09-29. Review status: criteria provided, single submitter. Criteria: ACMG Guidelines, 2015. Collection method: clinical testing. Allele origin: unknown.

Ambry Genetics
Classification: Uncertain significance for Hereditary cancer-predisposing syndrome. Last evaluated: 2023-08-25. Review status: criteria provided, single submitter. Criteria: Ambry Variant Classification Scheme 2023. Collection method: clinical testing. Allele origin: germline.
Comment: The p.E209Q variant (also known as c.625G>C), located in coding exon 5 of the RAD50 gene, results from a G to C substitution at nucleotide position 625. The glutamic acid at codon 209 is replaced by glutamine, an amino acid with highly similar properties. This amino acid position is highly conserved in available vertebrate species. In addition, this alteration is predicted to be tolerated by in silico analysis. Since supporting evidence is limited at this time, the clinical significance of this alteration remains unclear.

Women's Health and Genetics/Laboratory Corporation of America, LabCorp
Classification: Uncertain significance. Last evaluated: 2022-12-23. Review status: criteria provided, single submitter. Criteria: LabCorp Variant Classification Summary - May 2015. Collection method: clinical testing. Allele origin: germline.
Comment: Variant summary: RAD50 c.625G>C (p.Glu209Gln) results in a conservative amino acid change located in the Rad50/SbcC-type AAA domain (IPR038729) of the encoded protein sequence. Three of five in-silico tools predict a benign effect of the variant on protein function. The variant allele was found at a frequency of 8e-06 in 250956 control chromosomes. The available data on variant occurrences in the general population are insufficient to allow any conclusion about variant significance. To our knowledge, no occurrence of c.625G>C in individuals affected with Hereditary Breast And Ovarian Cancer Syndrome and no experimental evidence demonstrating its impact on protein function have been reported. Two clinical diagnostic laboratories have submitted clinical-significance assessments for this variant to ClinVar after 2014 and classified the variant as uncertain significance. Based on the evidence outlined above, the variant was classified as uncertain significance.

GeneDx
Classification: Uncertain significance. Last evaluated: 2014-01-21. Review status: criteria provided, single submitter. Criteria: GeneDx Variant Classification (06012015). Collection method: clinical testing. Allele origin: germline. Affected: yes.
Comment: RAD50 has been only recently described in association with cancer predisposition and the risks are not well understood. This variant is denoted RAD50 c.625G>C p.Glu209Gln (E209Q) at the protein level, and results in the change of a Glutamic Acid to a Glutamine (GAA>CAA). This variant has not, to our knowledge, been published in the literature as pathogenic or benign. RAD50 Glu209Gln was not observed in approximately 6,500 individuals of European and African American ancestry in the NHLBI Exome Sequencing Project, indicating it is not a common benign variant in these populations. This variant is a semi-conservative substitution in which a negative polar amino acid is replaced with a neutral polar one, altering a position that is well conserved throughout evolution and is not located in a known functional domain. In silico analyses are inconsistent with regard to the effect this variant may have on protein structure and function. On a molecular level, the impact of this missense variant on protein structure and function is not known and thus we consider this to be a variant of uncertain significance. Furthermore, based on the currently available information, cancer risks associated with this variant, and the RAD50 gene, remain unclear.

Literature cited by the submitters: PubMed 33471991 (cited by Quest Diagnostics Nichols Institute San Juan Capistrano).